The following is an entry in ClinVar:

NM_001394073.1(HS6ST2):c.725dup (p.Gly243fs)

Gene: HS6ST2 (heparan sulfate 6-O-sulfotransferase 2; minus strand). Cytogenetic location: Xq26.2.
Variant type: Duplication.
Coding change: c.725dup on transcript NM_001394073.1 (MANE Select); coding-DNA position 725, one base duplicated (T; older notation c.725dupT).
Protein change: p.Gly243fs; shifts the reading frame from glycine 243.
Molecular consequence: frameshift variant.
Genome position (GRCh38, 1-based): chrX:132,957,030, A duplicated on the plus strand (T on the coding strand, the reverse complement: HS6ST2 is on the minus strand); the first of 3 consecutive A bases (chrX:132,957,030-132,957,032); duplicating any one gives the same sequence. VCF-style (leftmost placement, unchanged base first): chrX-132957029-G-GA. GRCh37 (hg19) VCF-style: chrX-132091057-G-GA.
Other names: c.725dupT (NM_001394073.1); c.725dup, p.Gly243fs (NM_001077188.2, NM_001394074.1, NM_147175.4); short protein forms G243fs.
Identifiers: ClinVar variation 4850607 (VCV004850607.1).

ClinVar aggregate classification (germline): Likely pathogenic (1 of 4 stars; one submission).

Conditions:
Paganini-Miozzo syndrome. Also called: MENTAL RETARDATION, X-LINKED, SYNDROMIC, PAGANINI-MIOZZO TYPE. Identifiers: MedGen C5193010, MONDO:0026724, OMIM 301025.

Submission:

First Genomix Gene Laboratory, Genetic Diagnostics Department
Classification: Likely pathogenic for Paganini-Miozzo syndrome. Last evaluated: 2025-07-30. Review status: criteria provided, single submitter. Criteria: ACMG Guidelines, 2015. Collection method: clinical testing. Allele origin: germline. Inheritance: X-linked recessive inheritance. Affected: no. Observed: 1 variant allele.